The following is an entry in ClinVar:

NM_001077446.4(TSEN34):c.*109A>G

Gene: TSEN34 (tRNA splicing endonuclease subunit 34; plus strand). Cytogenetic location: 19q13.42.
Variant type: single nucleotide variant.
Coding change: c.*109A>G on transcript NM_001077446.4 (MANE Select); 109 bases downstream of the stop codon, A replaced by G.
Molecular consequence: 3 prime UTR variant. On other transcripts: intron variant (1).
Genome position (GRCh38, 1-based): chr19:54,193,471, A>G. VCF-style: chr19-54193471-A-G. GRCh37 (hg19) VCF-style: chr19-54697326-A-G.
Other names: c.*109A>G (NM_001282332.2, NM_001386740.1, NM_024075.5); c.890-151A>G (NM_001282333.2).
Identifiers: ClinVar variation 330133 (VCV000330133.7), dbSNP rs181231588, ClinGen allele CA309376712.
Genomic context (GRCh38, chr19:54,193,471, plus strand): 5'-TGGATGTTCCCCAGCTCTTCTCTGGGAGTCTAGAACATCCTCCTACCTTTCTCCGCGGTT[A>G]GTTTTTGATTCCAGGTTTTCGAACACTACATCTTTTTTATGTTCTTCCTTGTTTCAAAGC-3'

ClinVar aggregate classification (germline): Benign/Likely benign. Review status: criteria provided, multiple submitters, no conflicts (2 of 4 stars). 2 submissions from 2 submitters: Benign (1); Likely benign (1). Last evaluated 2018-08-17.

Conditions:
Pontoneocerebellar hypoplasia. Also called: Pontocerebellar hypoplasia; Non-syndromic pontocerebellar hypoplasia. Identifiers: Orphanet 98523, MedGen C1261175, MONDO:0020135.

Allele frequency attached by ClinVar (database versions not stated): gnomAD exomes 0.00037; gnomAD 0.00452 and 0.00482; TOPMed 0.00573; 1000 Genomes Project 30x 0.00640; 1000 Genomes Project 0.00719.

Submissions (2):

GeneDx
Classification: Likely benign. Last evaluated: 2018-08-17. Review status: criteria provided, single submitter. Criteria: GeneDx Variant Classification Process June 2021. Collection method: clinical testing. Allele origin: germline. Affected: yes.

Illumina Laboratory Services, Illumina
Classification: Benign for Pontoneocerebellar hypoplasia. Last evaluated: 2018-01-12. Review status: criteria provided, single submitter. Criteria: ICSL Variant Classification Criteria 13 December 2019. Collection method: clinical testing. Allele origin: germline.
Comment: This variant was observed in the ICSL laboratory as part of a predisposition screen in an ostensibly healthy population. It had not been previously curated by ICSL or reported in the Human Gene Mutation Database (HGMD: prior to June 1st, 2018), and was therefore a candidate for classification through an automated scoring system. Utilizing variant allele frequency, disease prevalence and penetrance estimates, and inheritance mode, an automated score was calculated to assess if this variant is too frequent to cause the disease. Based on the score and internal cut-off values, a variant classified as benign is not then subjected to further curation. The score for this variant resulted in a classification of benign for this disease.